The following is an entry in ClinVar:

ClinVar aggregate classification (germline): Uncertain significance. Review status: criteria provided, multiple submitters, no conflicts (2 of 4 stars). 7 submissions from 7 submitters: Uncertain significance (7). Last evaluated 2025-08-21.

Conditions:
Hereditary nonpolyposis colon cancer (HNPCC). Also called: Hereditary nonpolyposis colorectal cancer; Familial nonpolyposis colon cancer; Hereditary Nonpolyposis Colorectal Cancer Syndrome. Identifiers: Orphanet 443909, MedGen C1333990, MONDO:0018630. Disease mechanism: loss of function.
Hereditary cancer-predisposing syndrome. Also called: Tumor predisposition; Hereditary Cancer Syndrome; Hereditary neoplastic syndrome; Neoplastic Syndromes, Hereditary. Identifiers: Orphanet 140162, MedGen C0027672, MeSH D009386, MONDO:0015356.
Familial cancer of breast. Also called: hereditary breast carcinoma; BREAST CANCER, FAMILIAL; Hereditary breast cancer. Identifiers: Orphanet 227535, MedGen C0346153, MONDO:0016419, OMIM 114480. Disease mechanism: loss of function.

Submissions (7):

Ambry Genetics
Classification: Uncertain significance for Hereditary cancer-predisposing syndrome. Last evaluated: 2025-08-21. Review status: criteria provided, single submitter. Criteria: Ambry Variant Classification Scheme 2023. Collection method: clinical testing. Allele origin: germline.
Comment: The p.T476K variant (also known as c.1427C>A), located in coding exon 12 of the CHEK2 gene, results from a C to A substitution at nucleotide position 1427. The threonine at codon 476 is replaced by lysine, an amino acid with similar properties. In multiple assays testing CHEK2 function, this variant showed functionally indeterminant results; however, in another assay, this variant showed a functionally normal result (Wu X et al. Hum. Mutat. 2006 Aug; 27(8):742-7; Roeb, Higgens, and King. Hum. Mol. Genet. 2012 Jun; 21(12):2738-44; Stolarova L et al. Clin Cancer Res, 2023 Aug;29:3037-3050). This amino acid position is well conserved in available vertebrate species. In addition, this alteration is predicted to be deleterious by in silico analysis. Based on the available evidence, the clinical significance of this variant remains unclear.

Labcorp Genetics (formerly Invitae), Labcorp
Classification: Uncertain significance for Familial cancer of breast. Last evaluated: 2025-02-18. Review status: criteria provided, single submitter. Criteria: Invitae Variant Classification Sherloc (09022015). Collection method: clinical testing. Allele origin: germline.
Comment: This sequence change replaces threonine, which is neutral and polar, with lysine, which is basic and polar, at codon 476 of the CHEK2 protein (p.Thr476Lys). This variant is not present in population databases (gnomAD no frequency). This missense change has been observed in individual(s) with prostate cancer (PMID: 16835864). ClinVar contains an entry for this variant (Variation ID: 486833). An algorithm developed to predict the effect of missense changes on protein structure and function (PolyPhen-2) suggests that this variant is likely to be tolerated. Experimental studies have shown that this missense change affects CHEK2 function (PMID: 16835864, 22419737). In summary, the available evidence is currently insufficient to determine the role of this variant in disease. Therefore, it has been classified as a Variant of Uncertain Significance.

Color Diagnostics, LLC DBA Color Health
Classification: Uncertain significance for Hereditary cancer-predisposing syndrome. Last evaluated: 2024-07-08. Review status: criteria provided, single submitter. Criteria: ACMG Guidelines, 2015. Collection method: clinical testing. Allele origin: germline.
Comment: This missense variant replaces threonine with lysine at codon 476 of the CHEK2 protein. Computational prediction suggests that this variant may not impact protein structure and function. Functional studies demonstrated this variant had intermediate activity in a yeast DNA damage response assay (PMID: 22419737) but similar kinase activity to wild-type in mammalian cells (PMID: 16835864, 37449874). This variant has been reported in four individuals affected with breast cancer (PMID: 37449874), in a prostate tumor sample (PMID: 16835864) and in an individual referred for genetic testing (PMID: 31159747). This variant has not been identified in the general population by the Genome Aggregation Database (gnomAD). The available evidence is insufficient to determine the role of this variant in disease conclusively. Therefore, this variant is classified as a Variant of Uncertain Significance.

Baylor Genetics
Classification: Uncertain significance for Familial cancer of breast. Last evaluated: 2024-03-16. Review status: criteria provided, single submitter. Criteria: ACMG Guidelines, 2015. Collection method: clinical testing. Allele origin: unknown.

Department of Pathology and Laboratory Medicine, Sinai Health System
Classification: Uncertain significance for hereditary nonpolyposis colon cancer. Last evaluated: 2022-03-08. Review status: criteria provided, single submitter. Criteria: ACMG Guidelines, 2015. Collection method: clinical testing. Allele origin: germline. Affected: no.

Sema4
Classification: Uncertain significance for Hereditary cancer-predisposing syndrome. Last evaluated: 2021-05-19. Review status: criteria provided, single submitter. Criteria: Sema4 Curation Guidelines. Collection method: curation. Allele origin: germline.
Comment: The CHEK2 c.1427C>A (p.T476K) variant has been reported in at least 2 individuals with prostate or breast cancer, and in an individual with a personal/family history suggestive of an inherite cancer condition (PMID: 12533788, 22419737, 31159747). It was not observed in the large and broad cohorts of the Genome Aggregation Database (PMID: 32461654). The variant has been reported in ClinVar (Variation ID 486833). In silico tools suggest the impact of the variant on protein function is inconclusive, and functional studies have shown partially reduced CHEK2 kinase activity and an intermediate growth phenotype in a yeast-based complementation assay (PMID: 16835864, 22419737). The evidence is insufficient to meet ACMG/AMP criteria for classifying the variant as benign or pathogenic. Thus, the clinical significance of this variant is currently uncertain.

GeneKor MSA
Classification: Uncertain significance for Hereditary cancer-predisposing syndrome. Last evaluated: 2018-08-01. Review status: criteria provided, single submitter. Criteria: ACMG Guidelines, 2015. Collection method: clinical testing. Allele origin: germline. Affected: yes.

Literature cited by the submitters: PubMed 12533788 (cited by Ambry Genetics and Sema4); PubMed 16835864 (cited by 5 submitters); PubMed 16941491 (cited by Ambry Genetics); PubMed 22419737 (cited by 5 submitters); PubMed 31159747 (cited by 3 submitters); PubMed 37449874 (cited by Ambry Genetics and Color Diagnostics, LLC DBA Color Health).

NM_007194.4(CHEK2):c.1427C>A (p.Thr476Lys)

Gene: CHEK2 (checkpoint kinase 2; minus strand). Cytogenetic location: 22q12.1.
Variant type: single nucleotide variant.
Coding change: c.1427C>A on transcript NM_007194.4 (MANE Select); coding-DNA position 1427, C replaced by A.
Protein change: p.Thr476Lys; replaces threonine 476 with lysine.
Molecular consequence: missense variant.
Genome position (GRCh38, 1-based): chr22:28,694,066, G>T on the plus strand (C>A on the coding strand, the complement: CHEK2 is on the minus strand). VCF-style: chr22-28694066-G-T. GRCh37 (hg19) VCF-style: chr22-29090054-G-T.
Other names: c.1556C>A, p.Thr519Lys (NM_001005735.3); c.764C>A, p.Thr255Lys (NM_001257387.3); c.1226C>A, p.Thr409Lys (NM_001349956.3); c.1340C>A, p.Thr447Lys (NM_145862.3); short protein forms T476K, T255K, T447K, T409K, T519K.
Identifiers: ClinVar variation 486833 (VCV000486833.23), dbSNP rs142763740, ClinGen allele CA411094243.